The following is an entry in ClinVar:

NM_000942.5(PPIB):c.344-1G>T

Genes: PPIB (peptidylprolyl isomerase B; minus strand), SNX22 (sorting nexin 22; plus strand). Cytogenetic location: 15q22.31.
Variant type: single nucleotide variant.
Coding change: c.344-1G>T on transcript NM_000942.5 (MANE Select); the canonical splice acceptor site of the intron before coding-DNA position 344, G replaced by T.
Molecular consequence: splice acceptor variant. On other transcripts: 3 prime UTR variant (1), non-coding transcript variant (1).
Genome position (GRCh38, 1-based): chr15:64,156,910, C>A on the plus strand (G>T on the coding strand, the complement: PPIB is on the minus strand). VCF-style: chr15-64156910-C-A. GRCh37 (hg19) VCF-style: chr15-64449109-C-A.
Other names: c.*2402C>A (NM_024798.3).
Identifiers: ClinVar variation 993834 (VCV000993834.17), dbSNP rs748284900, ClinGen allele CA7608497.

ClinVar aggregate classification (germline): Pathogenic/Likely pathogenic. Review status: criteria provided, multiple submitters, no conflicts (2 of 4 stars). 2 submissions from 2 submitters: Pathogenic (1); Likely pathogenic (1). Last evaluated 2025-09-15.

Allele frequency attached by ClinVar (database versions not stated): TOPMed below 0.00001; ExAC 0.00002; gnomAD exomes 0.00002.
gnomAD v4.1: 16 of 1,614,010 alleles (0.00099%); highest among the groups gnomAD compares: Non-Finnish European, 0.0011%; no homozygotes.

Submissions (3):

Labcorp Genetics (formerly Invitae), Labcorp
Classification: Pathogenic. Last evaluated: 2025-09-15. Review status: criteria provided, single submitter. Criteria: Invitae Variant Classification Sherloc (09022015). Collection method: clinical testing. Allele origin: germline.
Comment: This sequence change affects an acceptor splice site in intron 3 of the PPIB gene. It is expected to disrupt RNA splicing. Variants that disrupt the donor or acceptor splice site typically lead to a loss of protein function (PMID: 16199547), and loss-of-function variants in PPIB are known to be pathogenic (PMID: 19781681, 19997487, 24968150). This variant is present in population databases (rs748284900, gnomAD 0.004%). Disruption of this splice site has been observed in individuals with clinical features of osteogenesis imperfecta (external communication, internal data). ClinVar contains an entry for this variant (Variation ID: 993834). Algorithms developed to predict the effect of sequence changes on RNA splicing suggest that this variant may disrupt the consensus splice site. For these reasons, this variant has been classified as Pathogenic.

ARUP Laboratories, Molecular Genetics and Genomics, ARUP Laboratories
Classification: Likely pathogenic. Last evaluated: 2019-12-10. Review status: criteria provided, single submitter. Criteria: ARUP Molecular Germline Variant Investigation Process. Collection method: clinical testing. Allele origin: germline.
Comment: The PPIB c.344-1G>T variant (rs748284900), to our knowledge, is not described in the medical literature or in gene-specific databases. It is observed in the general population at a low overall frequency of 0.00199% (5/251,348 alleles) in the Genome Aggregation Database. This variant abolishes the canonical splice acceptor site of intron 3, which is likely to disrupt gene function. Based on available information, this variant is considered to be likely pathogenic.

Dr. Peter K. Rogan Lab, Western University
No classification provided (evidence only). Condition: Clear cell carcinoma of kidney. Review status: no classification provided. Collection method: in vitro. Allele origin: not applicable. Functional consequence: cryptic splice site, retained intron. Not counted in ClinVar's aggregate classification.

Literature cited by the submitters: PubMed 16199547 (cited by Labcorp Genetics (formerly Invitae), Labcorp); PubMed 19781681 (cited by Labcorp Genetics (formerly Invitae), Labcorp); PubMed 19997487 (cited by Labcorp Genetics (formerly Invitae), Labcorp); PubMed 24968150 (cited by Labcorp Genetics (formerly Invitae), Labcorp).